The following is an entry in ClinVar:

NM_001080.3(ALDH5A1):c.1381G>A (p.Ala461Thr)

Gene: ALDH5A1 (aldehyde dehydrogenase 5 family member A1; plus strand). Cytogenetic location: 6p22.3.
Variant type: single nucleotide variant.
Coding change: c.1381G>A on transcript NM_001080.3 (MANE Select); coding-DNA position 1381, G replaced by A.
Protein change: p.Ala461Thr; replaces alanine 461 with threonine.
Molecular consequence: missense variant.
Genome position (GRCh38, 1-based): chr6:24,532,156, G>A. VCF-style: chr6-24532156-G-A. GRCh37 (hg19) VCF-style: chr6-24532384-G-A.
Other names: c.1237G>A, p.Ala413Thr (NM_001368954.1); c.1420G>A, p.Ala474Thr (NM_170740.1); short protein forms A413T, A474T, A461T.
Identifiers: ClinVar variation 839950 (VCV000839950.9), dbSNP rs768957232, ClinGen allele CA3656932.

ClinVar aggregate classification (germline): Uncertain significance. Review status: criteria provided, multiple submitters, no conflicts (2 of 4 stars). 3 submissions from 3 submitters: Uncertain significance (3). Last evaluated 2025-02-18.

Conditions:
Inborn genetic diseases. Identifiers: MedGen C0950123, MeSH D030342.
Succinate-semialdehyde dehydrogenase deficiency (SSADHD). Also called: Succinic Semialdehyde Dehydrogenase Deficiency; GABA METABOLIC DEFECT; SSADH DEFICIENCY; 4-HYDROXYBUTYRIC ACIDURIA. Identifiers: Orphanet 22, MedGen C0268631, MONDO:0010083, OMIM 271980.

Allele frequency attached by ClinVar (database versions not stated): gnomAD 0.00005; TOPMed 0.00005; gnomAD exomes 0.00006 and 0.00007; ExAC 0.00009.

Submissions (3):

GeneDx
Classification: Uncertain significance. Last evaluated: 2025-02-18. Review status: criteria provided, single submitter. Criteria: GeneDx Variant Classification Process June 2021. Collection method: clinical testing. Allele origin: germline.
Comment: Not observed at significant frequency in large population cohorts (gnomAD); In silico analysis indicates that this missense variant does not alter protein structure/function; Has not been previously published as pathogenic or benign to our knowledge

Labcorp Genetics (formerly Invitae), Labcorp
Classification: Uncertain significance for Succinate-semialdehyde dehydrogenase deficiency. Last evaluated: 2022-08-16. Review status: criteria provided, single submitter. Criteria: Invitae Variant Classification Sherloc (09022015). Collection method: clinical testing. Allele origin: germline.
Comment: This sequence change replaces alanine, which is neutral and non-polar, with threonine, which is neutral and polar, at codon 461 of the ALDH5A1 protein (p.Ala461Thr). This variant is present in population databases (rs768957232, gnomAD 0.01%). This variant has not been reported in the literature in individuals affected with ALDH5A1-related conditions. ClinVar contains an entry for this variant (Variation ID: 839950). Advanced modeling of protein sequence and biophysical properties (such as structural, functional, and spatial information, amino acid conservation, physicochemical variation, residue mobility, and thermodynamic stability) performed at Invitae indicates that this missense variant is not expected to disrupt ALDH5A1 protein function. In summary, the available evidence is currently insufficient to determine the role of this variant in disease. Therefore, it has been classified as a Variant of Uncertain Significance.

Ambry Genetics
Classification: Uncertain significance for Inborn genetic diseases. Last evaluated: 2021-06-18. Review status: criteria provided, single submitter. Criteria: Ambry Variant Classification Scheme 2023. Collection method: clinical testing. Allele origin: germline.